The following is an entry in ClinVar:

ClinVar aggregate classification (germline): Benign/Likely benign. Review status: criteria provided, multiple submitters, no conflicts (2 of 4 stars). 8 submissions from 8 submitters: Benign (4); Likely benign (4). Last evaluated 2026-04-24.

Conditions:
CDH23-related disorder. Also called: CDH23-related disorders; CDH23-related condition.

Allele frequency attached by ClinVar (database versions not stated): TOPMed 0.00281; gnomAD exomes 0.00023 and 0.00060; ExAC 0.00072; 1000 Genomes Project 30x 0.00156; 1000 Genomes Project 0.00160; ESP Exome Variant Server 0.00229; gnomAD 0.00240 and 0.00262.
gnomAD v4.1: 717 of 1,613,288 alleles (0.044%); highest among the groups gnomAD compares: African/African-American, 0.87%; 5 homozygotes.

Submissions (8):

PreventionGenetics, part of Exact Sciences
Classification: Likely benign for CDH23-related condition. Last evaluated: 2026-04-24. Review status: criteria provided, single submitter. Criteria: ACMG Guidelines, 2015. Collection method: clinical testing. Allele origin: germline.
Comment: This variant is classified as likely benign based on ACMG/AMP sequence variant interpretation guidelines (Richards et al. 2015 PMID: 25741868, with internal and published modifications).

Labcorp Genetics (formerly Invitae), Labcorp
Classification: Benign. Last evaluated: 2026-01-31. Review status: criteria provided, single submitter. Criteria: Invitae Variant Classification Sherloc (09022015). Collection method: clinical testing. Allele origin: germline.

Blueprint Genetics
Classification: Likely benign. Last evaluated: 2024-07-25. Review status: criteria provided, single submitter. Criteria: ACMG Guidelines, 2015. Collection method: clinical testing. Allele origin: germline.

GeneDx
Classification: Likely benign. Last evaluated: 2021-01-28. Review status: criteria provided, single submitter. Criteria: GeneDx Variant Classification Process June 2021. Collection method: clinical testing. Allele origin: germline. Affected: yes.

Athena Diagnostics
Classification: Benign. Last evaluated: 2018-05-25. Review status: criteria provided, single submitter. Criteria: Athena Diagnostics Criteria. Collection method: clinical testing. Allele origin: germline.

Eurofins Ntd Llc (ga)
Classification: Benign. Last evaluated: 2017-09-19. Review status: criteria provided, single submitter. Criteria: EGL Classification Definitions 2015. Collection method: clinical testing. Allele origin: germline. Observed: 1 variant allele, 1 heterozygote.

Laboratory for Molecular Medicine, Mass General Brigham Personalized Medicine
Classification: Benign. Last evaluated: 2012-05-15. Review status: criteria provided, single submitter. Criteria: LMM Criteria. Collection method: clinical testing. Allele origin: germline. Observed: 6 variant alleles.
Comment: Asp2936Asp in Exon 61 of CDH23: This variant is not expected to have clinical si gnificance because it does not alter an amino acid residue, is not located withi n the splice consensus sequence, and has been identified in 0.5% (19/3532) of Af rican American chromosomes from a broad population by the NHLBI Exome Sequencing Project (dbSNP rs148743086).

Breakthrough Genomics
Classification: Likely benign. Review status: criteria provided, single submitter. Criteria: ACMG Guidelines, 2015. Collection method: not provided. Allele origin: germline. Inheritance: Autosomal recessive inheritance. Affected: yes.

NM_022124.6(CDH23):c.8808C>T (p.Asp2936=)

Gene: CDH23 (cadherin related 23; plus strand). Cytogenetic location: 10q22.1.
Variant type: single nucleotide variant.
Coding change: c.8808C>T on transcript NM_022124.6 (MANE Select); coding-DNA position 8808, C replaced by T.
Protein change: p.Asp2936=; no amino-acid change (aspartic acid 2936 retained).
Molecular consequence: synonymous variant.
Genome position (GRCh38, 1-based): chr10:71,809,905, C>T. VCF-style: chr10-71809905-C-T. GRCh37 (hg19) VCF-style: chr10-73569662-C-T.
Other names: c.2088C>T, p.Asp696= (NM_001171933.1, NM_001171934.1).
Identifiers: ClinVar variation 46054 (VCV000046054.24), dbSNP rs148743086, ClinGen allele CA137605.